The following is an entry in ClinVar:

NM_198253.3(TERT):c.3257G>A (p.Arg1086His)

Gene: TERT (telomerase reverse transcriptase; minus strand). Cytogenetic location: 5p15.33.
Variant type: single nucleotide variant.
Coding change: c.3257G>A on transcript NM_198253.3 (MANE Select); coding-DNA position 3257, G replaced by A.
Protein change: p.Arg1086His; replaces arginine 1086 with histidine.
Molecular consequence: missense variant. On other transcripts: non-coding transcript variant (2).
Genome position (GRCh38, 1-based): chr5:1,254,406, C>T on the plus strand (G>A on the coding strand, the complement: TERT is on the minus strand). VCF-style: chr5-1254406-C-T. GRCh37 (hg19) VCF-style: chr5-1254521-C-T.
Other names: p.Arg1086His; c.3068G>A, p.Arg1023His (NM_001193376.3); short protein forms R1086H, R1023H.
Identifiers: ClinVar variation 242237 (VCV000242237.27), dbSNP rs200288187, ClinGen allele CA3184242.

ClinVar aggregate classification (germline): Conflicting classifications of pathogenicity. Review status: criteria provided, conflicting classifications (1 of 4 stars). 11 submissions from 11 submitters: Uncertain significance (8); Likely benign (2). 1 of the submissions does not count toward it. Last evaluated 2026-01-01.

Conditions:
TERT-related disorder. Also called: TERT-related condition; TERT-related disorders.
Dyskeratosis congenita, autosomal dominant 2. Identifiers: MedGen C3151443, MONDO:0013521, OMIM 613989.
Melanoma, cutaneous malignant, susceptibility to, 9. Also called: Cutaneous malignant melanoma 9. Identifiers: Orphanet 618, MedGen C3554574, MONDO:0014056, OMIM 615134.
Pulmonary fibrosis and/or bone marrow failure, Telomere-related, 1. Also called: PULMONARY FIBROSIS AND/OR BONE MARROW FAILURE SYNDROME, TELOMERE-RELATED, 1. Identifiers: Orphanet 88, MedGen C3553617, MONDO:0013878, OMIM 614742.
Acute myeloid leukemia (AML). Also called: Acute myeloid leukemia, adult; AML adult; Acute non-lymphocytic leukemia; Acute granulocytic leukemia; Leukemia, acute myelogenous, somatic; Leukemia, acute myeloid, somatic. Identifiers: Orphanet 519, MedGen C0023467, MeSH D015470, MONDO:0018874, OMIM 601626, HP:0004808. Disease mechanism: Constitutively activated FLT3.
Dyskeratosis congenita. Identifiers: Orphanet 1775, MedGen C0265965, MONDO:0015780.
Idiopathic Pulmonary Fibrosis. Also called: Idiopathic fibrosing alveolitis, chronic form; idiopathic fibrosing alveolitis. Identifiers: Orphanet 2032, MedGen C1800706, MeSH D054990, MONDO:0800504.

Allele frequency attached by ClinVar (database versions not stated): gnomAD exomes 0.00010 and 0.00014; TOPMed 0.00010; ExAC 0.00015; 1000 Genomes Project 0.00020; gnomAD 0.00020 and 0.00021; 1000 Genomes Project 30x 0.00031.
gnomAD v4.1: 185 of 1,613,220 alleles (0.011%); highest among the groups gnomAD compares: Non-Finnish European, 0.0093%; no homozygotes.

Submissions (11):

CeGaT Center for Human Genetics Tuebingen
Classification: Likely benign. Last evaluated: 2026-01-01. Review status: criteria provided, single submitter. Criteria: CeGaT Center For Human Genetics Tuebingen Variant Classification Criteria Version 2. Collection method: clinical testing. Allele origin: germline. Affected: yes. Observed: 1 variant allele.
Comment: TERT: BS1

Labcorp Genetics (formerly Invitae), Labcorp
Classification: Uncertain significance for Dyskeratosis congenita, autosomal dominant 2; Idiopathic Pulmonary Fibrosis. Last evaluated: 2025-11-24. Review status: criteria provided, single submitter. Criteria: Invitae Variant Classification Sherloc (09022015). Collection method: clinical testing. Allele origin: germline.
Comment: This sequence change replaces arginine, which is basic and polar, with histidine, which is basic and polar, at codon 1086 of the TERT protein (p.Arg1086His). This variant is present in population databases (rs200288187, gnomAD 0.08%). This missense change has been observed in individual(s) with clinical features of TERT-related conditions (PMID: 30523342, 34019641, 34565437, 37944684). ClinVar contains an entry for this variant (Variation ID: 242237). An algorithm developed to predict the effect of missense changes on protein structure and function outputs the following: PolyPhen-2: "Benign". The histidine amino acid residue is found in multiple mammalian species, which suggests that this missense change does not adversely affect protein function. In summary, the available evidence is currently insufficient to determine the role of this variant in disease. Therefore, it has been classified as a Variant of Uncertain Significance.

St. Jude Molecular Pathology, St. Jude Children's Research Hospital
Classification: Uncertain significance for Dyskeratosis congenita, autosomal dominant 2. Last evaluated: 2025-02-05. Review status: criteria provided, single submitter. Criteria: St. Jude Assertion Criteria 2020. Collection method: clinical testing. Allele origin: germline.
Comment: The TERT c.3257G>A p.(Arg1086His) missense change has a maximum founder subpopulation frequency of 0.08% and a maximum non-founder subpopulation frequency of 0.02% in gnomAD v2.1.1. The in silico tool REVEL predicts a benign effect on protein function. A functional study reported the R1086H variant preserved its telomere elongation capacity (PMID: 34019641). This variant has been reported in individuals with phenotypes associated with telomere biology disorders (PMID: 30523342, 34019641, 34565437) but has also been reported in unaffected relatives (PMID: 30523342). In summary, the evidence currently available is insufficient to determine the clinical significance of this variant. It has therefore been classified as of uncertain significance.

GeneDx
Classification: Uncertain significance. Last evaluated: 2024-09-15. Review status: criteria provided, single submitter. Criteria: GeneDx Variant Classification Process June 2021. Collection method: clinical testing. Allele origin: germline. Affected: yes.
Comment: In silico analysis supports that this missense variant has a deleterious effect on protein structure/function; This variant is associated with the following publications: (PMID: 34565437, 34019641, 30523342, 37944684)

Ambry Genetics
Classification: Likely benign for Dyskeratosis congenita. Last evaluated: 2024-08-29. Review status: criteria provided, single submitter. Criteria: Ambry Variant Classification Scheme 2023. Collection method: clinical testing. Allele origin: germline.

Fulgent Genetics
Classification: Uncertain significance for Acute myeloid leukemia; Dyskeratosis congenita, autosomal dominant 2; Pulmonary fibrosis and/or bone marrow failure, Telomere-related, 1; Melanoma, cutaneous malignant, susceptibility to, 9. Last evaluated: 2024-06-25. Review status: criteria provided, single submitter. Criteria: ACMG Guidelines, 2015. Collection method: clinical testing. Allele origin: germline.

Baylor Genetics
Classification: Uncertain significance for Dyskeratosis congenita, autosomal dominant 2. Last evaluated: 2023-10-10. Review status: criteria provided, single submitter. Criteria: ACMG Guidelines, 2015. Collection method: clinical testing. Allele origin: unknown.

Women's Health and Genetics/Laboratory Corporation of America, LabCorp
Classification: Uncertain significance. Last evaluated: 2022-11-07. Review status: criteria provided, single submitter. Criteria: LabCorp Variant Classification Summary - May 2015. Collection method: clinical testing. Allele origin: germline.
Comment: Variant summary: TERT c.3257G>A (p.Arg1086His) results in a non-conservative amino acid change in the encoded protein sequence. Four of five in-silico tools predict a damaging effect of the variant on protein function. The variant allele was found at a frequency of 0.00014 in 249006 control chromosomes (gnomAD). The variant, c.3257G>A, has been reported in the literature in heterozygous state in individuals affected with phenotypes belonging to the TERT-related disease spectrum, i.e. thrombocytopenia, and dyskeratosis congenita (e.g. Gutierrez-Rodrigues_2019, Tometten_2021), but was also found in unaffected relatives (Gutierrez-Rodrigues_2019). These reports do not provide unequivocal conclusions about association of the variant with TERT-Related Disorders. A publication reported experimental evidence evaluating an impact on protein function, and found that the variant protein retained its telomere elongation capacity (Reilly_2021). Two submitters have provided clinical-significance assessments for this variant to ClinVar after 2014 and both classified the variant as uncertain significance. Based on the evidence outlined above, the variant was classified as uncertain significance.

Mayo Clinic Laboratories, Mayo Clinic
Classification: Uncertain significance. Last evaluated: 2022-09-09. Review status: criteria provided, single submitter. Criteria: ACMG Guidelines, 2015. Collection method: clinical testing. Allele origin: germline. Observed: 10 variant alleles.
Comment: BS3, BP4, PP2

Genetic Services Laboratory, University of Chicago
Classification: Uncertain significance. Last evaluated: 2019-12-11. Review status: criteria provided, single submitter. Criteria: ACMG Guidelines, 2015. Collection method: clinical testing. Allele origin: germline. Affected: no.

PreventionGenetics, part of Exact Sciences
Classification: Uncertain significance for TERT-related condition. Last evaluated: 2024-03-27. Review status: no assertion criteria provided. Collection method: clinical testing. Allele origin: germline. Not counted in ClinVar's aggregate classification.
Comment: The TERT c.3257G>A variant is predicted to result in the amino acid substitution p.Arg1086His. This variant has also been reported in a patient with adult-onset cryptic dyskeratosis congenita (Tometten et al. 2021. PubMed ID: 34565437). However, further evidence of pathogenicity was not presented. The p.Arg1086His variant has also been reported in two individuals with myelodysplastic syndrome, but was found to retain >75% of wild-type telomere elongation capacity in vitro (Reilly et al. 2021. PubMed ID: 34019641). Additionally, a different amino acid substitution affecting the same residue (p.Arg1086Cys) has been documented in an individual with usual interstitial pneumonia associated with connective tissue disease (CTUIP; Petrovski et al. 2017. PubMed ID: 28099038) and in an individual with myelodysplastic syndrome (Reilly et al. 2021. PubMed ID: 34019641). The c.3257G>A (p.Arg1086His) variant is reported in 0.084% of alleles in individuals of European (Finnish) descent in gnomAD. This variant is interpreted as a variant of uncertain significance in ClinVar. At this time, the clinical significance of this variant is uncertain due to the absence of conclusive functional and genetic evidence.

Literature cited by the submitters: PubMed 30523342 (cited by 4 submitters); PubMed 34019641 (cited by 4 submitters); PubMed 34565437 (cited by 4 submitters); PubMed 37944684 (cited by Labcorp Genetics (formerly Invitae), Labcorp); PubMed 37096215 (cited by Ambry Genetics); PubMed 26580448 (cited by Women's Health and Genetics/Laboratory Corporation of America, LabCorp).